The following is an entry in ClinVar:

ClinVar aggregate classification (germline): Likely benign. Review status: criteria provided, multiple submitters, no conflicts (2 of 4 stars). 3 submissions from 3 submitters: Likely benign (3). Last evaluated 2025-08-22.

Conditions:
Progressive sclerosing poliodystrophy (MTDPS4A). Also called: Alpers-Huttenlocher Syndrome (AHS); ALPERS PROGRESSIVE INFANTILE POLIODYSTROPHY; Mitochondrial DNA Depletion Syndrome 4A; Mitochondrial DNA depletion syndrome 4A (Alpers type); NEURONAL DEGENERATION OF CHILDHOOD WITH LIVER DISEASE, PROGRESSIVE; Alpers Syndrome. Identifiers: Orphanet 726, MedGen C0205710, MONDO:0008758, OMIM 203700.

Allele frequency attached by ClinVar (database versions not stated): gnomAD 0.00001; gnomAD exomes 0.00001; TOPMed 0.00001.
gnomAD v4.1: 5 of 1,539,918 alleles (0.00032%); highest among the groups gnomAD compares: Non-Finnish European, 0.00035%; no homozygotes.

Submissions (3):

Labcorp Genetics (formerly Invitae), Labcorp
Classification: Likely benign for Progressive sclerosing poliodystrophy. Last evaluated: 2025-08-22. Review status: criteria provided, single submitter. Criteria: Invitae Variant Classification Sherloc (09022015). Collection method: clinical testing. Allele origin: germline.

Mayo Clinic Laboratories, Mayo Clinic
Classification: Likely benign. Last evaluated: 2025-03-25. Review status: criteria provided, single submitter. Criteria: ACMG Guidelines, 2015. Collection method: clinical testing. Allele origin: germline. Observed: 2 variant alleles.
Comment: BP4, BP7

Athena Diagnostics
Classification: Likely benign. Last evaluated: 2019-12-20. Review status: criteria provided, single submitter. Criteria: Athena Diagnostics Criteria. Collection method: clinical testing. Allele origin: unknown.

NM_002693.3(POLG):c.54G>C (p.Pro18=)

Genes: POLG (DNA polymerase gamma, catalytic subunit; minus strand), POLGARF (POLG alternative reading frame; minus strand). Cytogenetic location: 15q26.1.
Variant type: single nucleotide variant.
Coding change: c.54G>C on transcript NM_002693.3 (MANE Select); coding-DNA position 54, G replaced by C.
Protein change: p.Pro18=; no amino-acid change (proline 18 retained).
Molecular consequence: synonymous variant.
Genome position (GRCh38, 1-based): chr15:89,333,701, C>G on the plus strand (G>C on the coding strand, the complement: POLG is on the minus strand). VCF-style: chr15-89333701-C-G. GRCh37 (hg19) VCF-style: chr15-89876932-C-G.
Other names: p.Pro18=; c.54G>C, p.Pro18= (NM_001126131.2).
Identifiers: ClinVar variation 528389 (VCV000528389.12), dbSNP rs1378670216, ClinGen allele CA492290676.